The following is an entry in ClinVar:

NM_001457.4(FLNB):c.4672-11A>G

Gene: FLNB (filamin B; plus strand). Cytogenetic location: 3p14.3.
Variant type: single nucleotide variant.
Coding change: c.4672-11A>G on transcript NM_001457.4 (MANE Select); 11 bases into the intron before coding-DNA position 4672, A replaced by G.
Molecular consequence: intron variant.
Genome position (GRCh38, 1-based): chr3:58,135,968, A>G. VCF-style: chr3-58135968-A-G. GRCh37 (hg19) VCF-style: chr3-58121695-A-G.
Other names: c.4765-11A>G (NM_001164317.2); c.4672-11A>G (NM_001164318.2, NM_001164319.2).
Identifiers: ClinVar variation 389236 (VCV000389236.5), dbSNP rs72884428, ClinGen allele CA2468846.
Genomic context (GRCh38, chr3:58,135,968, plus strand): 5'-TGTCAGGGTTTTCCATGAATGTTTTCTACATCTTGACAACATCCTAAATAGCATTTCTCT[A>G]TGATCCACAGGACCAAGAAGGAAAACCCAAAAGAGCCATTGTCCATGACAATAAAGATGG-3'

ClinVar aggregate classification (germline): Benign/Likely benign. Review status: criteria provided, multiple submitters, no conflicts (2 of 4 stars). 2 submissions from 2 submitters: Benign (1); Likely benign (1). Last evaluated 2025-12-11.

Allele frequency attached by ClinVar (database versions not stated): gnomAD exomes 0.00006 and 0.00012; ExAC 0.00017; TOPMed 0.00062; gnomAD 0.00064 and 0.00061; 1000 Genomes Project 0.00040; ESP Exome Variant Server 0.00054.
gnomAD v4.1: 191 of 1,613,628 alleles (0.012%); highest among the groups gnomAD compares: African/African-American, 0.2%; no homozygotes.

Submissions (2):

Labcorp Genetics (formerly Invitae), Labcorp
Classification: Benign. Last evaluated: 2025-12-11. Review status: criteria provided, single submitter. Criteria: Invitae Variant Classification Sherloc (09022015). Collection method: clinical testing. Allele origin: germline.

GeneDx
Classification: Likely benign. Last evaluated: 2016-09-19. Review status: criteria provided, single submitter. Criteria: GeneDx Variant Classification (06012015). Collection method: clinical testing. Allele origin: germline. Affected: yes.
Comment: This variant is considered likely benign or benign based on one or more of the following criteria: it is a conservative change, it occurs at a poorly conserved position in the protein, it is predicted to be benign by multiple in silico algorithms, and/or has population frequency not consistent with disease.